The following is an entry in ClinVar:

ClinVar aggregate classification (germline): Uncertain significance (1 of 4 stars; one submission).

Conditions:
Cardiovascular phenotype. Identifiers: MedGen CN230736.

Submission:

Ambry Genetics
Classification: Uncertain significance for Cardiovascular phenotype. Last evaluated: 2021-02-24. Review status: criteria provided, single submitter. Criteria: Ambry Variant Classification Scheme 2023. Collection method: clinical testing. Allele origin: germline.
Comment: The p.D120G variant (also known as c.359A>G), located in coding exon 1 of the MYPN gene, results from an A to G substitution at nucleotide position 359. The aspartic acid at codon 120 is replaced by glycine, an amino acid with similar properties. This amino acid position is well conserved in available vertebrate species. In addition, this alteration is predicted to be tolerated by in silico analysis. Since supporting evidence is limited at this time, the clinical significance of this alteration remains unclear.

NM_032578.4(MYPN):c.359A>G (p.Asp120Gly)

Gene: MYPN (myopalladin; plus strand). Cytogenetic location: 10q21.3.
Variant type: single nucleotide variant.
Coding change: c.359A>G on transcript NM_032578.4 (MANE Select); coding-DNA position 359, A replaced by G.
Protein change: p.Asp120Gly; replaces aspartic acid 120 with glycine.
Molecular consequence: missense variant. On other transcripts: 5 prime UTR variant (1), non-coding transcript variant (1).
Genome position (GRCh38, 1-based): chr10:68,121,797, A>G. VCF-style: chr10-68121797-A-G. GRCh37 (hg19) VCF-style: chr10-69881554-A-G.
Other names: c.359A>G, p.Asp120Gly (NM_001256267.2); c.-764A>G (NM_001256268.2); short protein forms D120G.
Identifiers: ClinVar variation 1733042 (VCV001733042.2), dbSNP rs2495462424, ClinGen allele CA377104175.